The following is an entry in ClinVar:

NM_000435.3(NOTCH3):c.*463G>A

Gene: NOTCH3 (notch receptor 3; minus strand). Cytogenetic location: 19p13.12.
Variant type: single nucleotide variant.
Coding change: c.*463G>A on transcript NM_000435.3 (MANE Select); 463 bases downstream of the stop codon, G replaced by A.
Molecular consequence: 3 prime UTR variant.
Genome position (GRCh38, 1-based): chr19:15,160,199, C>T on the plus strand (G>A on the coding strand, the complement: NOTCH3 is on the minus strand). VCF-style: chr19-15160199-C-T. GRCh37 (hg19) VCF-style: chr19-15271010-C-T.
Identifiers: ClinVar variation 890685 (VCV000890685.4), dbSNP rs145095999, ClinGen allele CA305755084.

ClinVar aggregate classification (germline): Benign (1 of 4 stars; one submission).

Conditions:
Cerebral arteriopathy, autosomal dominant, with subcortical infarcts and leukoencephalopathy, type 1 (CADASIL1). Also called: DEMENTIA, HEREDITARY MULTIINFARCT TYPE; CADASIL 1; CASIL; Cerebral arteriopathy with subcortical infarcts and leukoencephalopathy 1. Identifiers: Orphanet 136, MedGen C4551768, MONDO:0000914, OMIM 125310.

Allele frequency attached by ClinVar (database versions not stated): gnomAD 0.00175 and 0.00192; TOPMed 0.00212; 1000 Genomes Project 0.00140; 1000 Genomes Project 30x 0.00234.
gnomAD v4.1: 313 of 240,352 alleles (0.13%); highest among the groups gnomAD compares: African/African-American, 0.58%; 1 homozygote.

Submission:

Illumina Laboratory Services, Illumina
Classification: Benign for Cerebral arteriopathy, autosomal dominant, with subcortical infarcts and leukoencephalopathy, type 1. Last evaluated: 2018-01-13. Review status: criteria provided, single submitter. Criteria: ICSL Variant Classification Criteria 13 December 2019. Collection method: clinical testing. Allele origin: germline.
Comment: This variant was observed in the ICSL laboratory as part of a predisposition screen in an ostensibly healthy population. It had not been previously curated by ICSL or reported in the Human Gene Mutation Database (HGMD: prior to June 1st, 2018), and was therefore a candidate for classification through an automated scoring system. Utilizing variant allele frequency, disease prevalence and penetrance estimates, and inheritance mode, an automated score was calculated to assess if this variant is too frequent to cause the disease. Based on the score and internal cut-off values, a variant classified as benign is not then subjected to further curation. The score for this variant resulted in a classification of benign for this disease.